The following is an entry in ClinVar:

ClinVar aggregate classification (germline): Likely pathogenic (1 of 4 stars; one submission).

Conditions:
Hereditary cancer-predisposing syndrome. Also called: Neoplastic Syndromes, Hereditary; Tumor predisposition; Hereditary Cancer Syndrome; Hereditary neoplastic syndrome. Identifiers: Orphanet 140162, MedGen C0027672, MeSH D009386, MONDO:0015356.

Submission:

Ambry Genetics
Classification: Likely pathogenic for Hereditary cancer-predisposing syndrome. Last evaluated: 2025-11-17. Review status: criteria provided, single submitter. Criteria: Ambry Variant Classification Scheme 2023. Collection method: clinical testing. Allele origin: germline.
Comment: The c.904-2A>G intronic variant results from an A to G substitution two nucleotides upstream from coding exon 7 in the DICER1 gene. This variant was reported in individual(s) with features consistent with DICER1-related tumor predisposition syndrome (Ambry internal data). This nucleotide position is highly conserved in available vertebrate species. In silico splice site analysis predicts that this alteration will weaken the native splice acceptor site and may result in the creation or strengthening of a novel splice acceptor site. This variant is considered to be rare based on population cohorts in the Genome Aggregation Database (gnomAD). RNA studies have demonstrated that this alteration results in abnormal splicing in the set of samples tested (Ambry internal data). Based on the majority of available evidence to date, this variant is likely to be pathogenic.

NM_177438.3(DICER1):c.904-2A>G

Gene: DICER1 (dicer 1, ribonuclease III; minus strand). Cytogenetic location: 14q32.13.
Variant type: single nucleotide variant.
Coding change: c.904-2A>G on transcript NM_177438.3 (MANE Select); the canonical splice acceptor site of the intron before coding-DNA position 904, A replaced by G.
Molecular consequence: splice acceptor variant.
Genome position (GRCh38, 1-based): chr14:95,124,670, T>C on the plus strand (A>G on the coding strand, the complement: DICER1 is on the minus strand). VCF-style: chr14-95124670-T-C. GRCh37 (hg19) VCF-style: chr14-95591007-T-C.
Other names: c.499-2A>G (NM_001395690.1, NM_001395687.1, NM_001395689.1 and 3 more transcripts); c.904-2A>G (NM_001395680.1, NM_001395679.1, NM_001395694.1 and 14 more transcripts); c.622-2A>G (NM_001395686.1); c.337-2A>G (NM_001395691.1); c.-665-2A>G (NM_001395697.1).
Identifiers: ClinVar variation 4637618 (VCV004637618.1).
Genomic context (GRCh38, chr14:95,124,670, plus strand): 5'-ACTTTATCTGCACACCAGGGTCCCAGAACTACCAATACGGCACGACAGTCTGATAGTATC[T>C]ACAAAAAAAAGAAAAGAAAAAACCTAATGCCAAATAATAATAATGTAGCATTTTCATGTG-3'